The following is an entry in ClinVar:

NM_000426.4(LAMA2):c.990G>A (p.Trp330Ter)

Gene: LAMA2 (laminin subunit alpha 2; plus strand). Cytogenetic location: 6q22.33.
Variant type: single nucleotide variant.
Coding change: c.990G>A on transcript NM_000426.4 (MANE Select); coding-DNA position 990, G replaced by A.
Protein change: p.Trp330Ter; replaces tryptophan 330 with a stop codon.
Molecular consequence: nonsense.
Genome position (GRCh38, 1-based): chr6:129,149,059, G>A. VCF-style: chr6-129149059-G-A. GRCh37 (hg19) VCF-style: chr6-129470204-G-A.
Other names: c.990G>A, p.Trp330Ter (NM_001079823.2); short protein forms W330*.
Identifiers: ClinVar variation 4795174 (VCV004795174.1).

ClinVar aggregate classification (germline): Pathogenic (1 of 4 stars; one submission).

Conditions:
LAMA2-related disorder. Also called: LAMA2-related disorders; LAMA2-related condition.

Submission:

Laboratorio de Biologia Molecular/Medicina Genomica - IFF/Fiocruz, Instituto Fernandes Figueira, Fundacao Oswaldo Cruz
Classification: Pathogenic for LAMA2-related conditions. Last evaluated: 2025-09-02. Review status: criteria provided, single submitter. Criteria: ACMG Guidelines, 2015. Collection method: clinical testing. Allele origin: germline. Affected: yes. Observed: 1 variant allele.
Comment: Variant: c.990G>A (p.Trp330Ter), in exon 7 of the LAMA2 gene. Protein effect: Nonsense variant predicted to undergo NMD in a gene where LoF is a disease mechanism. Population database (gnomAD): Absent. (Accession: VCV000558356.9). ACMG/AMP criteria applied: PVS1, PM2_Supporting, PM3.